The following is an entry in ClinVar:

ClinVar aggregate classification (germline): Conflicting classifications of pathogenicity. Review status: criteria provided, conflicting classifications (1 of 4 stars). 2 submissions from 2 submitters: Uncertain significance (1); Likely benign (1). Last evaluated 2025-10-11.

Conditions:
Familial cold autoinflammatory syndrome 4 (FCAS4). Identifiers: Orphanet 47045, Orphanet 576349, MedGen C4015276, MONDO:0014498, OMIM 616115.
Periodic fever-infantile enterocolitis-autoinflammatory syndrome. Also called: Autoinflammation with infantile enterocolitis. Identifiers: Orphanet 436166, MedGen C4015067, MONDO:0014472, OMIM 616050.

Allele frequency attached by ClinVar (database versions not stated): gnomAD exomes below 0.00001 and 0.00001; TOPMed below 0.00001; ExAC 0.00001; gnomAD 0.00001; ESP Exome Variant Server 0.00008.
gnomAD v4.1: 8 of 1,613,982 alleles (0.0005%); highest among the groups gnomAD compares: Non-Finnish European, 0.00068%; no homozygotes.

Submissions (2):

Labcorp Genetics (formerly Invitae), Labcorp
Classification: Uncertain significance for Periodic fever-infantile enterocolitis-autoinflammatory syndrome; Familial cold autoinflammatory syndrome 4. Last evaluated: 2025-10-11. Review status: criteria provided, single submitter. Criteria: Invitae Variant Classification Sherloc (09022015). Collection method: clinical testing. Allele origin: germline.
Comment: This sequence change replaces serine, which is neutral and polar, with threonine, which is neutral and polar, at codon 176 of the NLRC4 protein (p.Ser176Thr). This variant is present in population databases (rs369429630, gnomAD 0.0009%). This variant has not been reported in the literature in individuals affected with NLRC4-related conditions. ClinVar contains an entry for this variant (Variation ID: 1365160). Invitae Evidence Modeling of protein sequence and biophysical properties (such as structural, functional, and spatial information, amino acid conservation, physicochemical variation, residue mobility, and thermodynamic stability) indicates that this missense variant is not expected to disrupt NLRC4 protein function with a negative predictive value of 80%. In summary, the available evidence is currently insufficient to determine the role of this variant in disease. Therefore, it has been classified as a Variant of Uncertain Significance.

Blueprint Genetics
Classification: Likely benign. Last evaluated: 2024-11-13. Review status: criteria provided, single submitter. Criteria: ACMG Guidelines, 2015. Collection method: clinical testing. Allele origin: germline.

NM_001199138.2(NLRC4):c.526T>A (p.Ser176Thr)

Gene: NLRC4 (NLR family CARD domain containing 4; minus strand). Cytogenetic location: 2p22.3.
Variant type: single nucleotide variant.
Coding change: c.526T>A on transcript NM_001199138.2 (MANE Select); coding-DNA position 526, T replaced by A.
Protein change: p.Ser176Thr; replaces serine 176 with threonine.
Molecular consequence: missense variant. On other transcripts: intron variant (1).
Genome position (GRCh38, 1-based): chr2:32,251,338, A>T on the plus strand (T>A on the coding strand, the complement: NLRC4 is on the minus strand). VCF-style: chr2-32251338-A-T. GRCh37 (hg19) VCF-style: chr2-32476407-A-T.
Other names: c.526T>A, p.Ser176Thr (NM_001199139.2, NM_021209.5); c.262+1081T>A (NM_001302504.1); short protein forms S176T.
Identifiers: ClinVar variation 1365160 (VCV001365160.9), dbSNP rs369429630, ClinGen allele CA1602129.